The following is an entry in ClinVar:

ClinVar aggregate classification (germline): Likely pathogenic (1 of 4 stars; one submission).

Allele frequency attached by ClinVar (database versions not stated): gnomAD exomes 0.00001.
gnomAD v4.1: 13 of 1,601,664 alleles (0.00081%); highest among the groups gnomAD compares: Non-Finnish European, 0.0011%; no homozygotes.

Submission:

Labcorp Genetics (formerly Invitae), Labcorp
Classification: Likely pathogenic. Last evaluated: 2024-03-21. Review status: criteria provided, single submitter. Criteria: Invitae Variant Classification Sherloc (09022015). Collection method: clinical testing. Allele origin: germline.
Comment: This sequence change affects an acceptor splice site in intron 5 of the TTC37 gene. It is expected to disrupt RNA splicing. Variants that disrupt the donor or acceptor splice site typically lead to a loss of protein function (PMID: 16199547), and loss-of-function variants in TTC37 are known to be pathogenic (PMID: 20176027, 21120949). This variant is present in population databases (no rsID available, gnomAD 0.0009%). This variant has not been reported in the literature in individuals affected with TTC37-related conditions. Algorithms developed to predict the effect of sequence changes on RNA splicing suggest that this variant may disrupt the consensus splice site. In summary, the currently available evidence indicates that the variant is pathogenic, but additional data are needed to prove that conclusively. Therefore, this variant has been classified as Likely Pathogenic.

Literature cited by the submitters: PubMed 16199547; PubMed 20176027; PubMed 21120949.

NM_014639.4(SKIC3):c.235-1G>A

Gene: SKIC3 (SKI3 subunit of superkiller complex; minus strand). Cytogenetic location: 5q15.
Variant type: single nucleotide variant.
Coding change: c.235-1G>A on transcript NM_014639.4 (MANE Select); the canonical splice acceptor site of the intron before coding-DNA position 235, G replaced by A.
Molecular consequence: splice acceptor variant.
Genome position (GRCh38, 1-based): chr5:95,541,907, C>T on the plus strand (G>A on the coding strand, the complement: SKIC3 is on the minus strand). VCF-style: chr5-95541907-C-T. GRCh37 (hg19) VCF-style: chr5-94877611-C-T.
Identifiers: ClinVar variation 3005533 (VCV003005533.3), dbSNP rs1317374545, ClinGen allele CA360445303.